The following is an entry in ClinVar:

NM_001853.4(COL9A3):c.758G>T (p.Gly253Val)

Gene: COL9A3 (collagen type IX alpha 3 chain; plus strand). Cytogenetic location: 20q13.33.
Variant type: single nucleotide variant.
Coding change: c.758G>T on transcript NM_001853.4 (MANE Select); coding-DNA position 758, G replaced by T.
Protein change: p.Gly253Val; replaces glycine 253 with valine.
Molecular consequence: missense variant.
Genome position (GRCh38, 1-based): chr20:62,826,786, G>T. VCF-style: chr20-62826786-G-T. GRCh37 (hg19) VCF-style: chr20-61458138-G-T.
Other names: short protein forms G253V.
Identifiers: ClinVar variation 2132867 (VCV002132867.4), dbSNP rs2516048035, ClinGen allele CA409592246.
Genomic context (GRCh38, chr20:62,826,786, plus strand): 5'-CCTCAGACAAGAGGACCCCGGATCCCCTCTCTCCTCTGCAGGGTCCCATTGGGTTCCGAG[G>T]GCCGCCTGGGATCCCAGGAGCGCCTGGGAAAGCGGTACGTGTGTCAGTGGACGGTGGGCG-3'
Protein context (NP_001844.3, residues 243-263): PGDRGPIGFR[Gly253Val]PPGIPGAPGK

ClinVar aggregate classification (germline): Uncertain significance (1 of 4 stars; one submission).

Submission:

Labcorp Genetics (formerly Invitae), Labcorp
Classification: Uncertain significance. Last evaluated: 2023-12-21. Review status: criteria provided, single submitter. Criteria: Invitae Variant Classification Sherloc (09022015). Collection method: clinical testing. Allele origin: germline.
Comment: This sequence change replaces glycine, which is neutral and non-polar, with valine, which is neutral and non-polar, at codon 253 of the COL9A3 protein (p.Gly253Val). This variant is not present in population databases (gnomAD no frequency). This variant has not been reported in the literature in individuals affected with COL9A3-related conditions. ClinVar contains an entry for this variant (Variation ID: 2132867). Advanced modeling of protein sequence and biophysical properties (such as structural, functional, and spatial information, amino acid conservation, physicochemical variation, residue mobility, and thermodynamic stability) performed at Invitae indicates that this missense variant is expected to disrupt COL9A3 protein function with a positive predictive value of 95%. In summary, the available evidence is currently insufficient to determine the role of this variant in disease. Therefore, it has been classified as a Variant of Uncertain Significance.